The following is an entry in ClinVar:

NM_001369.3(DNAH5):c.9655G>A (p.Ala3219Thr)

Gene: DNAH5 (dynein axonemal heavy chain 5; minus strand). Cytogenetic location: 5p15.2.
Variant type: single nucleotide variant.
Coding change: c.9655G>A on transcript NM_001369.3 (MANE Select); coding-DNA position 9655, G replaced by A.
Protein change: p.Ala3219Thr; replaces alanine 3219 with threonine.
Molecular consequence: missense variant.
Genome position (GRCh38, 1-based): chr5:13,769,566, C>T on the plus strand (G>A on the coding strand, the complement: DNAH5 is on the minus strand). VCF-style: chr5-13769566-C-T. GRCh37 (hg19) VCF-style: chr5-13769675-C-T.
Other names: short protein forms A3219T.
Identifiers: ClinVar variation 525226 (VCV000525226.10), dbSNP rs1554040804, ClinGen allele CA359203143.
Genomic context (GRCh38, chr5:13,769,566, plus strand): 5'-CGGCTTTATCGTTGGCCACTTGTAGCTCCTTTTCTTTCGCTTCCAGTTCTTTACTCAAGG[C>T]TGCAACAGACTCTGAAGCTTCTTTGAGCTTTTCCAATCCAGTATTCATTCTGGGATTGAA-3'
Protein context (NP_001360.1, residues 3209-3229): KLKEASESVA[Ala3219Thr]LSKELEAKEK

ClinVar aggregate classification (germline): Uncertain significance. Review status: criteria provided, single submitter (1 of 4 stars). 2 submissions from 2 submitters: Uncertain significance (1). 1 of the submissions does not count toward it. Last evaluated 2022-06-27.

Conditions:
Primary ciliary dyskinesia. Also called: Ciliary dyskinesia. Identifiers: Orphanet 244, MedGen C0008780, MONDO:0016575, HP:0012265.

Submissions (2):

Labcorp Genetics (formerly Invitae), Labcorp
Classification: Uncertain significance for Primary ciliary dyskinesia. Last evaluated: 2022-06-27. Review status: criteria provided, single submitter. Criteria: Invitae Variant Classification Sherloc (09022015). Collection method: clinical testing. Allele origin: germline.
Comment: This sequence change replaces alanine, which is neutral and non-polar, with threonine, which is neutral and polar, at codon 3219 of the DNAH5 protein (p.Ala3219Thr). This variant is not present in population databases (gnomAD no frequency). This variant has not been reported in the literature in individuals affected with DNAH5-related conditions. ClinVar contains an entry for this variant (Variation ID: 525226). Advanced modeling of protein sequence and biophysical properties (such as structural, functional, and spatial information, amino acid conservation, physicochemical variation, residue mobility, and thermodynamic stability) performed at Invitae indicates that this missense variant is not expected to disrupt DNAH5 protein function. In summary, the available evidence is currently insufficient to determine the role of this variant in disease. Therefore, it has been classified as a Variant of Uncertain Significance.

Natera, Inc.
Classification: Uncertain significance for Primary ciliary dyskinesia. Last evaluated: 2020-09-09. Review status: no assertion criteria provided. Collection method: clinical testing. Allele origin: germline. Not counted in ClinVar's aggregate classification.